The following is an entry in ClinVar:

NM_198253.3(TERT):c.535G>A (p.Gly179Ser)

Gene: TERT (telomerase reverse transcriptase; minus strand). Cytogenetic location: 5p15.33.
Variant type: single nucleotide variant.
Coding change: c.535G>A on transcript NM_198253.3 (MANE Select); coding-DNA position 535, G replaced by A.
Protein change: p.Gly179Ser; replaces glycine 179 with serine.
Molecular consequence: missense variant. On other transcripts: non-coding transcript variant (2).
Genome position (GRCh38, 1-based): chr5:1,294,351, C>T on the plus strand (G>A on the coding strand, the complement: TERT is on the minus strand). VCF-style: chr5-1294351-C-T. GRCh37 (hg19) VCF-style: chr5-1294466-C-T.
Other names: c.535G>A, p.Gly179Ser (NM_001193376.3); short protein forms G179S.
Identifiers: ClinVar variation 951658 (VCV000951658.11), dbSNP rs1751238098, ClinGen allele CA359057674.

ClinVar aggregate classification (germline): Uncertain significance. Review status: criteria provided, multiple submitters, no conflicts (2 of 4 stars). 2 submissions from 2 submitters: Uncertain significance (2). Last evaluated 2025-12-09.

Conditions:
Idiopathic Pulmonary Fibrosis. Also called: Idiopathic fibrosing alveolitis, chronic form; idiopathic fibrosing alveolitis. Identifiers: Orphanet 2032, MedGen C1800706, MeSH D054990, MONDO:0800504.
Dyskeratosis congenita, autosomal dominant 2. Identifiers: MedGen C3151443, MONDO:0013521, OMIM 613989.
Dyskeratosis congenita. Identifiers: Orphanet 1775, MedGen C0265965, MONDO:0015780.

Allele frequency attached by ClinVar (database versions not stated): gnomAD exomes below 0.00001.
gnomAD v4.1: 2 of 1,577,328 alleles (0.00013%); highest among the groups gnomAD compares: Non-Finnish European, 0.000086%; no homozygotes.

Submissions (2):

Ambry Genetics
Classification: Uncertain significance for Dyskeratosis congenita. Last evaluated: 2025-12-09. Review status: criteria provided, single submitter. Criteria: Ambry Variant Classification Scheme 2023. Collection method: clinical testing. Allele origin: germline.
Comment: The p.G179S variant (also known as c.535G>A), located in coding exon 2 of the TERT gene, results from a G to A substitution at nucleotide position 535. The glycine at codon 179 is replaced by serine, an amino acid with similar properties. This amino acid position is conserved. In addition, this alteration is predicted to be tolerated by in silico analysis. Based on the available evidence, the clinical significance of this variant remains unclear.

Labcorp Genetics (formerly Invitae), Labcorp
Classification: Uncertain significance for Dyskeratosis congenita, autosomal dominant 2; Idiopathic Pulmonary Fibrosis. Last evaluated: 2019-07-30. Review status: criteria provided, single submitter. Criteria: Invitae Variant Classification Sherloc (09022015). Collection method: clinical testing. Allele origin: germline.
Comment: Algorithms developed to predict the effect of missense changes on protein structure and function (SIFT, PolyPhen-2, Align-GVGD) all suggest that this variant is likely to be tolerated, but these predictions have not been confirmed by published functional studies and their clinical significance is uncertain. In summary, the available evidence is currently insufficient to determine the role of this variant in disease. Therefore, it has been classified as a Variant of Uncertain Significance. This variant has not been reported in the literature in individuals with TERT-related conditions. This variant is not present in population databases (ExAC no frequency). This sequence change replaces glycine with serine at codon 179 of the TERT protein (p.Gly179Ser). The glycine residue is weakly conserved and there is a small physicochemical difference between glycine and serine.